The following is an entry in ClinVar:

ClinVar aggregate classification (germline): Uncertain significance (1 of 4 stars; one submission).

Conditions:
Neuropathy, hereditary sensory and autonomic, type 2A (HSAN2A). Also called: MORVAN DISEASE; NEUROPATHY, CONGENITAL SENSORY; NEUROPATHY, HEREDITARY SENSORY RADICULAR, AUTOSOMAL RECESSIVE; NEUROPATHY, HEREDITARY SENSORY, TYPE IIA; NEUROPATHY, PROGRESSIVE SENSORY, OF CHILDREN; WNK1-Related HSAN2 (HSAN2A). Identifiers: Orphanet 970, MedGen C2752089, MONDO:0024309, OMIM 201300.
Pseudohypoaldosteronism type 2C (PHA2C). Also called: Pseudohypoaldosteronism Type IIC. Identifiers: Orphanet 757, Orphanet 88940, MedGen C1840391, MONDO:0013778, OMIM 614492.

Allele frequency attached by ClinVar (database versions not stated): gnomAD 0.00001 and 0.00002; gnomAD exomes 0.00001 and 0.00003; ExAC 0.00002; TOPMed 0.00003.
gnomAD v4.1: 42 of 1,613,838 alleles (0.0026%); highest among the groups gnomAD compares: Non-Finnish European, 0.0032%; no homozygotes.

Submission:

Labcorp Genetics (formerly Invitae), Labcorp
Classification: Uncertain significance for Neuropathy, hereditary sensory and autonomic, type 2A; Pseudohypoaldosteronism type 2C. Last evaluated: 2025-04-09. Review status: criteria provided, single submitter. Criteria: Invitae Variant Classification Sherloc (09022015). Collection method: clinical testing. Allele origin: germline.
Comment: This sequence change replaces methionine, which is neutral and non-polar, with valine, which is neutral and non-polar, at codon 802 of the WNK1 protein (p.Met802Val). This variant is present in population databases (rs749638697, gnomAD 0.003%). This variant has not been reported in the literature in individuals affected with WNK1-related conditions. ClinVar contains an entry for this variant (Variation ID: 1044733). Invitae Evidence Modeling of protein sequence and biophysical properties (such as structural, functional, and spatial information, amino acid conservation, physicochemical variation, residue mobility, and thermodynamic stability) indicates that this missense variant is not expected to disrupt WNK1 protein function with a negative predictive value of 95%. In summary, the available evidence is currently insufficient to determine the role of this variant in disease. Therefore, it has been classified as a Variant of Uncertain Significance.

NM_213655.5(WNK1):c.2404A>G (p.Met802Val)

Gene: WNK1 (WNK lysine deficient protein kinase 1; plus strand). Cytogenetic location: 12p13.33.
Variant type: single nucleotide variant.
Coding change: c.2404A>G on transcript NM_213655.5 (MANE Plus Clinical); coding-DNA position 2404, A replaced by G.
Protein change: p.Met802Val; replaces methionine 802 with valine.
Molecular consequence: missense variant. On other transcripts: intron variant (2).
Genome position (GRCh38, 1-based): chr12:867,875, A>G. VCF-style: chr12-867875-A-G. GRCh37 (hg19) VCF-style: chr12-977041-A-G.
Other names: c.2149A>G, p.Met717Val (NM_001184985.2); c.2140-3390A>G (NM_018979.4, NM_014823.3); short protein forms M802V, M717V.
Identifiers: ClinVar variation 1044733 (VCV001044733.8), dbSNP rs749638697, ClinGen allele CA6382168.
Genomic context (GRCh38, chr12:867,875, plus strand): 5'-TAATTTCACATATGAATGTATGAATTACTTGTCTTATTCATGTTGATACAGCCTCAGTCC[A>G]TGGCGCATCCGTGTGGGGGGACCCCAACATACCCAGAATCACAGATATTTTTCCCAACTA-3'
Protein context (NP_998820.3, residues 792-812): PSLFVSTPQS[Met802Val]AHPCGGTPTY